The following is an entry in ClinVar:

ClinVar aggregate classification (germline): Uncertain significance (1 of 4 stars; one submission).

Allele frequency attached by ClinVar (database versions not stated): gnomAD exomes below 0.00001; ExAC 0.00001; gnomAD 0.00001 and 0.00002; 1000 Genomes Project 0.00020; 1000 Genomes Project 30x 0.00031.
gnomAD v4.1: 6 of 1,614,150 alleles (0.00037%); highest among the groups gnomAD compares: Admixed American, 0.01%; no homozygotes.

Submission:

Labcorp Genetics (formerly Invitae), Labcorp
Classification: Uncertain significance. Last evaluated: 2021-08-24. Review status: criteria provided, single submitter. Criteria: Invitae Variant Classification Sherloc (09022015). Collection method: clinical testing. Allele origin: germline.
Comment: This sequence change replaces serine with asparagine at codon 134 of the GALNT3 protein (p.Ser134Asn). The serine residue is highly conserved and there is a small physicochemical difference between serine and asparagine. This variant is present in population databases (rs557937216, ExAC 0.009%). This variant has not been reported in the literature in individuals affected with GALNT3-related conditions. Algorithms developed to predict the effect of missense changes on protein structure and function (SIFT, PolyPhen-2, Align-GVGD) all suggest that this variant is likely to be tolerated. In summary, the available evidence is currently insufficient to determine the role of this variant in disease. Therefore, it has been classified as a Variant of Uncertain Significance.

NM_004482.4(GALNT3):c.401G>A (p.Ser134Asn)

Gene: GALNT3 (polypeptide N-acetylgalactosaminyltransferase 3; minus strand). Cytogenetic location: 2q24.3.
Variant type: single nucleotide variant.
Coding change: c.401G>A on transcript NM_004482.4 (MANE Select); coding-DNA position 401, G replaced by A.
Protein change: p.Ser134Asn; replaces serine 134 with asparagine.
Molecular consequence: missense variant.
Genome position (GRCh38, 1-based): chr2:165,770,300, C>T on the plus strand (G>A on the coding strand, the complement: GALNT3 is on the minus strand). VCF-style: chr2-165770300-C-T. GRCh37 (hg19) VCF-style: chr2-166626810-C-T.
Other names: short protein forms S134N.
Identifiers: ClinVar variation 1472384 (VCV001472384.5), dbSNP rs557937216, ClinGen allele CA1941246.